The following is an entry in ClinVar:

ClinVar aggregate classification (germline): Pathogenic (1 of 4 stars; one submission).

Conditions:
Marfan Syndrome/Loeys-Dietz Syndrome/Familial Thoracic Aortic Aneurysms and Dissections. Identifiers: MedGen CN229799.

Submission:

Women's Health and Genetics/Laboratory Corporation of America, LabCorp
Classification: Pathogenic for Marfan Syndrome/Loeys-Dietz Syndrome/Familial Thoracic Aortic Aneurysms and Dissections. Last evaluated: 2024-04-08. Review status: criteria provided, single submitter. Criteria: LabCorp Variant Classification Summary - May 2015. Collection method: clinical testing. Allele origin: germline.
Comment: Variant summary: FBN1 c.3714dupC (p.Ile1239HisfsX3) results in a premature termination codon, predicted to cause a truncation of the encoded protein or absence of the protein due to nonsense mediated decay, which are commonly known mechanisms for disease. The variant was absent in 250290 control chromosomes. To our knowledge, no occurrence of c.3714dupC in individuals affected with Marfan Syndrome and no experimental evidence demonstrating its impact on protein function have been reported. No submitters have cited clinical-significance assessments for this variant to ClinVar. Based on the evidence outlined above, the variant was classified as pathogenic.

NM_000138.5(FBN1):c.3714dup (p.Ile1239fs)

Gene: FBN1 (fibrillin 1; minus strand). Cytogenetic location: 15q21.1.
Variant type: Duplication.
Coding change: c.3714dup on transcript NM_000138.5 (MANE Select); coding-DNA position 3714, one base duplicated (C; older notation c.3714dupC).
Protein change: p.Ile1239fs; shifts the reading frame from isoleucine 1239.
Molecular consequence: frameshift variant.
Genome position (GRCh38, 1-based): chr15:48,483,942, G duplicated on the plus strand (C on the coding strand, the reverse complement: FBN1 is on the minus strand). VCF-style (leftmost placement, unchanged base first): chr15-48483941-T-TG. GRCh37 (hg19) VCF-style: chr15-48776138-T-TG.
Other names: c.3714dup, p.Ile1239fs (NM_001406716.1); c.3714dupC (NM_000138.5); short protein forms I1239fs.
Identifiers: ClinVar variation 3251460 (VCV003251460.1), dbSNP rs2505541295.